The following is an entry in ClinVar:

ClinVar aggregate classification (germline): Conflicting classifications of pathogenicity. Review status: criteria provided, conflicting classifications (1 of 4 stars). 2 submissions from 2 submitters: Likely pathogenic (1); Uncertain significance (1). Last evaluated 2025-07-14.

Submissions (2):

Labcorp Genetics (formerly Invitae), Labcorp
Classification: Uncertain significance. Last evaluated: 2025-07-14. Review status: criteria provided, single submitter. Criteria: Invitae Variant Classification Sherloc (09022015). Collection method: clinical testing. Allele origin: germline.
Comment: This variant, c.597_600delins34, results in the insertion of 10 amino acid(s) of the CRB2 protein (p.His200_Asp201ins10), but otherwise preserves the integrity of the reading frame. This variant is not present in population databases (gnomAD no frequency). This variant has not been reported in the literature in individuals affected with CRB2-related conditions. Experimental studies and prediction algorithms are not available or were not evaluated, and the functional significance of this variant is currently unknown. In summary, the available evidence is currently insufficient to determine the role of this variant in disease. Therefore, it has been classified as a Variant of Uncertain Significance.

CeGaT Center for Human Genetics Tuebingen
Classification: Likely pathogenic. Last evaluated: 2021-11-01. Review status: criteria provided, single submitter. Criteria: CeGaT Center For Human Genetics Tuebingen Variant Classification Criteria Version 2. Collection method: clinical testing. Allele origin: germline. Affected: yes. Observed: 1 variant allele.

NM_173689.7(CRB2):c.597_600delinsTCATGTCAACGTGCCCTGGTCAACGGGCACCCGT (p.His200_Asp201insValAsnValProTrpSerThrGlyThrArg)

Gene: CRB2 (crumbs cell polarity complex component 2; plus strand). Cytogenetic location: 9q33.3.
Variant type: Indel.
Coding change: c.597_600delinsTCATGTCAACGTGCCCTGGTCAACGGGCACCCGT on transcript NM_173689.7 (MANE Select); coding-DNA positions 597 to 600, the reference bases replaced by an inserted sequence.
Protein change: p.His200_Asp201insValAsnValProTrpSerThrGlyThrArg.
Molecular consequence: inframe insertion.
Genome position (GRCh38, 1-based): chr9:123,366,095-123,366,098, 4 bases replaced. GRCh37 (hg19): chr9:126,128,374-126,128,377.
Identifiers: ClinVar variation 1701579 (VCV001701579.36), dbSNP rs2132756010, ClinGen allele CA2580079547.